The following is an entry in ClinVar:

ClinVar aggregate classification (germline): Uncertain significance. Review status: criteria provided, multiple submitters, no conflicts (2 of 4 stars). 2 submissions from 2 submitters: Uncertain significance (2). Last evaluated 2025-07-23.

Conditions:
Mucopolysaccharidosis, MPS-II (MPS2). Also called: Mucopolysaccharidosis with skin involvement; Attenuated MPS (subtype; formerly known as mild MPS II); Severe MPS II; I2S deficiency; MPS 2; Hunter Syndrome. Identifiers: Orphanet 580, Orphanet 79388, MedGen C0026705, MONDO:0010674, OMIM 309900.

Submissions (2):

Revvity Omics, Revvity
Classification: Uncertain significance for Mucopolysaccharidosis, MPS-II. Last evaluated: 2025-07-23. Review status: criteria provided, single submitter. Criteria: ACMG Guidelines, 2015. Collection method: clinical testing. Allele origin: germline.

GeneDx
Classification: Uncertain significance. Last evaluated: 2023-10-03. Review status: criteria provided, single submitter. Criteria: GeneDx Variant Classification Process June 2021. Collection method: clinical testing. Allele origin: germline. Affected: yes.
Comment: Not observed at significant frequency in large population cohorts (gnomAD); In silico analysis supports that this missense variant has a deleterious effect on protein structure/function; Has not been previously published as pathogenic or benign to our knowledge

NM_000202.8(IDS):c.1481C>T (p.Thr494Ile)

Gene: IDS (iduronate 2-sulfatase; minus strand). Cytogenetic location: Xq28.
Variant type: single nucleotide variant.
Coding change: c.1481C>T on transcript NM_000202.8 (MANE Select); coding-DNA position 1481, C replaced by T.
Protein change: p.Thr494Ile; replaces threonine 494 with isoleucine.
Molecular consequence: missense variant.
Genome position (GRCh38, 1-based): chrX:149,482,918, G>A on the plus strand (C>T on the coding strand, the complement: IDS is on the minus strand). VCF-style: chrX-149482918-G-A. GRCh37 (hg19) VCF-style: chrX-148564449-G-A.
Other names: c.1211C>T, p.Thr404Ile (NM_001166550.4); short protein forms T404I, T494I.
Identifiers: ClinVar variation 3252495 (VCV003252495.2), dbSNP rs2520754318.